The following is an entry in ClinVar:

NM_001388492.1(HTT):c.4612+5C>T

Gene: HTT (huntingtin; plus strand). Cytogenetic location: 4p16.3.
Variant type: single nucleotide variant.
Coding change: c.4612+5C>T on transcript NM_001388492.1 (MANE Select); 5 bases into the intron after coding-DNA position 4612, C replaced by T.
Molecular consequence: intron variant.
Genome position (GRCh38, 1-based): chr4:3,178,451, C>T. VCF-style: chr4-3178451-C-T. GRCh37 (hg19) VCF-style: chr4-3180178-C-T.
Other names: c.4612+5C>T (NM_002111.8).
Identifiers: ClinVar variation 1350590 (VCV001350590.7), dbSNP rs751047982, ClinGen allele CA2824475.

ClinVar aggregate classification (germline): Conflicting classifications of pathogenicity. Review status: criteria provided, conflicting classifications (1 of 4 stars). 2 submissions from 2 submitters: Uncertain significance (1); Likely benign (1). Last evaluated 2023-03-03.

Allele frequency attached by ClinVar (database versions not stated): ExAC 0.00002; gnomAD 0.00006 and 0.00007; gnomAD exomes 0.00006; TOPMed 0.00007.
gnomAD v4.1: 65 of 1,612,132 alleles (0.004%); highest among the groups gnomAD compares: Admixed American, 0.022%; 1 homozygote.

Submissions (2):

Blueprint Genetics
Classification: Likely benign. Last evaluated: 2023-03-03. Review status: criteria provided, single submitter. Criteria: ACMG Guidelines, 2015. Collection method: clinical testing. Allele origin: germline.

Labcorp Genetics (formerly Invitae), Labcorp
Classification: Uncertain significance. Last evaluated: 2021-01-29. Review status: criteria provided, single submitter. Criteria: Invitae Variant Classification Sherloc (09022015). Collection method: clinical testing. Allele origin: germline.
Comment: Nucleotide substitutions within the consensus splice site are a relatively common cause of aberrant splicing (PMID: 17576681, 9536098). Experimental studies and prediction algorithms are not available or were not evaluated, and the effect of this variant on mRNA splicing is currently unknown. This sequence change falls in intron 35 of the HTT gene. It does not directly change the encoded amino acid sequence of the HTT protein. It affects a nucleotide within the consensus splice site of the intron. This variant is present in population databases (rs751047982, ExAC 0.03%). This variant has not been reported in the literature in individuals with HTT-related conditions. In summary, the available evidence is currently insufficient to determine the role of this variant in disease. Therefore, it has been classified as a Variant of Uncertain Significance.

Literature cited by the submitters: PubMed 17576681 (cited by Labcorp Genetics (formerly Invitae), Labcorp); PubMed 9536098 (cited by Labcorp Genetics (formerly Invitae), Labcorp).